The following is an entry in ClinVar:

NM_000059.4(BRCA2):c.7805+926G>T

Gene: BRCA2 (BRCA2 DNA repair associated; plus strand). Cytogenetic location: 13q13.1.
Variant type: single nucleotide variant.
Coding change: c.7805+926G>T on transcript NM_000059.4 (MANE Select); 926 bases into the intron after coding-DNA position 7805, G replaced by T.
Molecular consequence: intron variant.
Genome position (GRCh38, 1-based): chr13:32,358,855, G>T. VCF-style: chr13-32358855-G-T. GRCh37 (hg19) VCF-style: chr13-32932992-G-T.
Other names: IVS 16+926G>T.
Identifiers: ClinVar variation 209762 (VCV000209762.1), dbSNP rs147710079, ClinGen allele CA276730.

ClinVar aggregate classification (germline): Benign (3 of 4 stars; one submission).

Conditions:
Breast-ovarian cancer, familial, susceptibility to, 2 (BROVCA2). Also called: BRCA2 Hereditary Breast and Ovarian Cancer. Identifiers: Orphanet 145, MedGen C2675520, MONDO:0012933, OMIM 612555. Disease mechanism: loss of function.

Allele frequency attached by ClinVar (database versions not stated): gnomAD 0.00071 and 0.00105; TOPMed 0.00092; 1000 Genomes Project 30x 0.00453; 1000 Genomes Project 0.00519.
gnomAD v4.1: 156 of 151,216 alleles (0.1%); highest among the groups gnomAD compares: East Asian, 2.4%; 1 homozygote.

Submission:

Evidence-based Network for the Interpretation of Germline Mutant Alleles (ENIGMA)
Classification: Benign for Breast-ovarian cancer, familial 2. Last evaluated: 2015-01-12. Review status: reviewed by expert panel. Criteria: ENIGMA BRCA1/2 Classification Criteria (2015). Collection method: curation. Allele origin: germline.
Comment: Class 1 not pathogenic based on frequency >1% in an outbred sampleset. Frequency 0.02098 (Asian), derived from 1000 genomes (2012-04-30).